The following is an entry in ClinVar:

NM_001077350.3(NPRL3):c.118+2T>A

Genes: HBA-LCR (alpha-globin locus control region; plus strand), NPRL3 (NPR3 like, GATOR1 complex subunit; minus strand). Cytogenetic location: 16p13.3.
Variant type: single nucleotide variant.
Coding change: c.118+2T>A on transcript NM_001077350.3 (MANE Select); the canonical splice donor site of the intron after coding-DNA position 118, T replaced by A.
Molecular consequence: splice donor variant.
Genome position (GRCh38, 1-based): chr16:138,148, A>T on the plus strand (T>A on the coding strand, the complement: NPRL3 is on the minus strand). VCF-style: chr16-138148-A-T. GRCh37 (hg19) VCF-style: chr16-188147-A-T.
Other names: c.-254+2T>A (NM_001243247.2); c.118+2T>A (NM_001243248.2, NM_001243249.2); c.-215+2T>A (NM_001039476.3).
Identifiers: ClinVar variation 3656565 (VCV003656565.3).
Genomic context (GRCh38, chr16:138,148, plus strand): 5'-GAGGCGACCCCGGAATGAGGCGGCCCCCGCGAGCGCCAGGCCCCCGCCCAGCGCTCACTT[A>T]CTTGTCTGGGACGCCGGGTGCTCCTGGCTTCTCTGGAAGGGGTACCTGAACAGCAGCTTA-3'

ClinVar aggregate classification (germline): Pathogenic/Likely pathogenic. Review status: criteria provided, multiple submitters, no conflicts (2 of 4 stars). 2 submissions from 2 submitters: Pathogenic (1); Likely pathogenic (1). Last evaluated 2025-01-15.

Conditions:
Epilepsy, familial focal, with variable foci 3 (FFEVF3). Identifiers: MedGen C4310708, MONDO:0014925, OMIM 617118.

Submissions (2):

GeneDx
Classification: Pathogenic. Last evaluated: 2025-01-15. Review status: criteria provided, single submitter. Criteria: GeneDx Variant Classification Process June 2021. Collection method: clinical testing. Allele origin: germline. Affected: yes.
Comment: Canonical splice site variant predicted to result in a null allele in a gene for which loss of function is a known mechanism of disease; Not observed at significant frequency in large population cohorts (gnomAD); Has not been previously published as pathogenic or benign to our knowledge

Labcorp Genetics (formerly Invitae), Labcorp
Classification: Likely pathogenic for Epilepsy, familial focal, with variable foci 3. Last evaluated: 2024-10-23. Review status: criteria provided, single submitter. Criteria: Invitae Variant Classification Sherloc (09022015). Collection method: clinical testing. Allele origin: germline.
Comment: This sequence change affects a donor splice site in intron 2 of the NPRL3 gene. It is expected to disrupt RNA splicing. Variants that disrupt the donor or acceptor splice site typically lead to a loss of protein function (PMID: 16199547), and loss-of-function variants in NPRL3 are known to be pathogenic (PMID: 26285051, 26505888). This variant is not present in population databases (gnomAD no frequency). This variant has not been reported in the literature in individuals affected with NPRL3-related conditions. Algorithms developed to predict the effect of sequence changes on RNA splicing suggest that this variant may disrupt the consensus splice site. In summary, the currently available evidence indicates that the variant is pathogenic, but additional data are needed to prove that conclusively. Therefore, this variant has been classified as Likely Pathogenic.

Literature cited by the submitters: PubMed 16199547 (cited by Labcorp Genetics (formerly Invitae), Labcorp); PubMed 26285051 (cited by Labcorp Genetics (formerly Invitae), Labcorp); PubMed 26505888 (cited by Labcorp Genetics (formerly Invitae), Labcorp).